The following is an entry in ClinVar:

ClinVar aggregate classification (germline): Uncertain significance (1 of 4 stars; one submission).

Allele frequency attached by ClinVar (database versions not stated): ExAC 0.00002; gnomAD 0.00002; gnomAD exomes 0.00003; TOPMed 0.00003.

Submission:

Labcorp Genetics (formerly Invitae), Labcorp
Classification: Uncertain significance. Last evaluated: 2022-07-01. Review status: criteria provided, single submitter. Criteria: Invitae Variant Classification Sherloc (09022015). Collection method: clinical testing. Allele origin: germline.
Comment: This sequence change replaces valine, which is neutral and non-polar, with isoleucine, which is neutral and non-polar, at codon 66 of the TUBA8 protein (p.Val66Ile). In summary, the available evidence is currently insufficient to determine the role of this variant in disease. Therefore, it has been classified as a Variant of Uncertain Significance. Algorithms developed to predict the effect of missense changes on protein structure and function (SIFT, PolyPhen-2, Align-GVGD) all suggest that this variant is likely to be tolerated. This variant has not been reported in the literature in individuals affected with TUBA8-related conditions. This variant is present in population databases (rs771675629, gnomAD 0.06%), and has an allele count higher than expected for a pathogenic variant.

NM_018943.3(TUBA8):c.196G>A (p.Val66Ile)

Gene: TUBA8 (tubulin alpha 8; plus strand). Cytogenetic location: 22q11.21.
Variant type: single nucleotide variant.
Coding change: c.196G>A on transcript NM_018943.3 (MANE Select); coding-DNA position 196, G replaced by A.
Protein change: p.Val66Ile; replaces valine 66 with isoleucine.
Molecular consequence: missense variant. On other transcripts: 5 prime UTR variant (1).
Genome position (GRCh38, 1-based): chr22:18,121,671, G>A. VCF-style: chr22-18121671-G-A. GRCh37 (hg19) VCF-style: chr22-18604438-G-A.
Other names: c.-3G>A (NM_001193414.2); short protein forms V66I.
Identifiers: ClinVar variation 2142891 (VCV002142891.4), dbSNP rs771675629, ClinGen allele CA10093602.